The following is an entry in ClinVar:

ClinVar aggregate classification (germline): Likely pathogenic (1 of 4 stars; one submission).

Conditions:
Fetal akinesia deformation sequence 1 (FADS1). Also called: Pena-Shokeir syndrome type I; Fetal akinesia sequence. Identifiers: Orphanet 994, MedGen C1276035, MONDO:0100101, OMIM 208150, HP:0001989.
Congenital myasthenic syndrome 10. Also called: Myasthenia, limb-girdle, familial. Identifiers: Orphanet 590, MedGen C1850792, MONDO:0009690, OMIM 254300.

Submission:

Labcorp Genetics (formerly Invitae), Labcorp
Classification: Likely pathogenic for Congenital myasthenic syndrome 10; Fetal akinesia deformation sequence 1. Last evaluated: 2024-02-19. Review status: criteria provided, single submitter. Criteria: Invitae Variant Classification Sherloc (09022015). Collection method: clinical testing. Allele origin: germline.
Comment: This sequence change affects a donor splice site in intron 2 of the DOK7 gene. It is expected to disrupt RNA splicing. Variants that disrupt the donor or acceptor splice site typically lead to a loss of protein function (PMID: 16199547), and loss-of-function variants in DOK7 are known to be pathogenic (PMID: 16794080, 16917026, 18626973, 19261599). This variant is not present in population databases (gnomAD no frequency). This variant has not been reported in the literature in individuals affected with DOK7-related conditions. Algorithms developed to predict the effect of sequence changes on RNA splicing suggest that this variant may disrupt the consensus splice site. In summary, the currently available evidence indicates that the variant is pathogenic, but additional data are needed to prove that conclusively. Therefore, this variant has been classified as Likely Pathogenic.

Literature cited by the submitters: PubMed 16199547; PubMed 16794080; PubMed 16917026; PubMed 18626973; PubMed 19261599.

NM_173660.5(DOK7):c.100+1G>A

Gene: DOK7 (docking protein 7; plus strand). Cytogenetic location: 4p16.3.
Variant type: single nucleotide variant.
Coding change: c.100+1G>A on transcript NM_173660.5 (MANE Select); the canonical splice donor site of the intron after coding-DNA position 100, G replaced by A.
Molecular consequence: splice donor variant.
Genome position (GRCh38, 1-based): chr4:3,463,552, G>A. VCF-style: chr4-3463552-G-A. GRCh37 (hg19) VCF-style: chr4-3465279-G-A.
Other names: c.100+1G>A (NM_001301071.2, NM_001363811.2, NM_001164673.2).
Identifiers: ClinVar variation 3750478 (VCV003750478.2).